The following is an entry in ClinVar:

NM_002528.7(NTHL1):c.479A>T (p.Asp160Val)

Gene: NTHL1 (nth like DNA glycosylase 1; minus strand). Cytogenetic location: 16p13.3.
Variant type: single nucleotide variant.
Coding change: c.479A>T on transcript NM_002528.7 (MANE Select); coding-DNA position 479, A replaced by T.
Protein change: p.Asp160Val; replaces aspartic acid 160 with valine.
Molecular consequence: missense variant. On other transcripts: intron variant (1).
Genome position (GRCh38, 1-based): chr16:2,044,676, T>A on the plus strand (A>T on the coding strand, the complement: NTHL1 is on the minus strand). VCF-style: chr16-2044676-T-A. GRCh37 (hg19) VCF-style: chr16-2094677-T-A.
Other names: c.149A>T, p.Asp50Val (NM_001318194.2); c.355-950A>T (NM_001318193.2); short protein forms D160V, D50V.
Identifiers: ClinVar variation 1744935 (VCV001744935.5), dbSNP rs1288936702, ClinGen allele CA394294188.

ClinVar aggregate classification (germline): Uncertain significance. Review status: criteria provided, multiple submitters, no conflicts (2 of 4 stars). 2 submissions from 2 submitters: Uncertain significance (2). Last evaluated 2023-10-05.

Conditions:
Hereditary cancer-predisposing syndrome. Also called: Hereditary Cancer Syndrome; Neoplastic Syndromes, Hereditary; Tumor predisposition; Hereditary neoplastic syndrome. Identifiers: Orphanet 140162, MedGen C0027672, MeSH D009386, MONDO:0015356.

Submissions (2):

Labcorp Genetics (formerly Invitae), Labcorp
Classification: Uncertain significance. Last evaluated: 2023-10-05. Review status: criteria provided, single submitter. Criteria: Invitae Variant Classification Sherloc (09022015). Collection method: clinical testing. Allele origin: germline.
Comment: This sequence change replaces aspartic acid, which is acidic and polar, with valine, which is neutral and non-polar, at codon 168 of the NTHL1 protein (p.Asp168Val). This variant is not present in population databases (gnomAD no frequency). This variant has not been reported in the literature in individuals affected with NTHL1-related conditions. ClinVar contains an entry for this variant (Variation ID: 1744935). An algorithm developed to predict the effect of missense changes on protein structure and function (PolyPhen-2) suggests that this variant is likely to be disruptive. In summary, the available evidence is currently insufficient to determine the role of this variant in disease. Therefore, it has been classified as a Variant of Uncertain Significance.

Ambry Genetics
Classification: Uncertain significance for Hereditary cancer-predisposing syndrome. Last evaluated: 2022-09-30. Review status: criteria provided, single submitter. Criteria: Ambry Variant Classification Scheme 2023. Collection method: clinical testing. Allele origin: germline.
Comment: The p.D168V variant (also known as c.503A>T), located in coding exon 3 of the NTHL1 gene, results from an A to T substitution at nucleotide position 503. The aspartic acid at codon 168 is replaced by valine, an amino acid with highly dissimilar properties. This amino acid position is conserved. In addition, this alteration is predicted to be deleterious by in silico analysis. Since supporting evidence is limited at this time, the clinical significance of this alteration remains unclear.